The following is an entry in ClinVar:

ClinVar aggregate classification (germline): Pathogenic (1 of 4 stars; one submission).

Conditions:
Deafness-lymphedema-leukemia syndrome. Also called: Emberger syndrome; Lymphedema, primary, with myelodysplasia. Identifiers: Orphanet 3226, MedGen C3279664, MONDO:0013540, OMIM 614038.
GATA2 deficiency with susceptibility to MDS/AML. Identifiers: MedGen CN300066, MONDO:0042982.

Submission:

Molecular Pathology Research Laboratory, SA Pathology
Classification: Pathogenic for GATA2 deficiency with susceptibility to MDS/AML; Deafness-lymphedema-leukemia syndrome. Last evaluated: 2021-07-06. Review status: criteria provided, single submitter. Criteria: ACMG Guidelines, 2015. Collection method: curation. Allele origin: de novo. Inheritance: Autosomal dominant inheritance. Affected: yes. Observed: 1 variant allele.
Comment: PVS1, PS2, PS4_Supporting, PM2

NM_032638.5(GATA2):c.206_208delinsT (p.Arg69fs)

Gene: GATA2 (GATA binding protein 2; minus strand). Cytogenetic location: 3q21.3.
Variant type: Indel.
Coding change: c.206_208delinsT on transcript NM_032638.5 (MANE Select); coding-DNA positions 206 to 208, GCG replaced by T.
Protein change: p.Arg69fs; shifts the reading frame from arginine 69.
Molecular consequence: frameshift variant.
Genome position (GRCh38, 1-based): chr3:128,486,824-128,486,826, CGC replaced by A on the plus strand (GCG replaced by T on the coding strand, the reverse complement: GATA2 is on the minus strand). VCF-style: chr3-128486824-CGC-A. GRCh37 (hg19) VCF-style: chr3-128205667-CGC-A.
Other names: c.206_208delinsT, p.Arg69fs (NM_001145661.2, NM_001145662.1); c.206_208delGCGinsT (NM_032638.5); short protein forms R69fs.
Identifiers: ClinVar variation 1184168 (VCV001184168.1), dbSNP rs2107673392, ClinGen allele CA1139532113.